The following is an entry in ClinVar:

ClinVar aggregate classification (germline): Uncertain significance (1 of 4 stars; one submission).

Conditions:
Familial thoracic aortic aneurysm and aortic dissection (TAAD). Also called: Thoracic aortic aneurysms and dissections. Identifiers: Orphanet 91387, MedGen C4707243, MONDO:0019625.

Submission:

Ambry Genetics
Classification: Uncertain significance for Familial thoracic aortic aneurysm and aortic dissection. Last evaluated: 2024-10-22. Review status: criteria provided, single submitter. Criteria: Ambry Variant Classification Scheme 2023. Collection method: clinical testing. Allele origin: germline.
Comment: The p.S1541R variant (also known as c.4623C>G), located in coding exon 26 of the NOTCH1 gene, results from a C to G substitution at nucleotide position 4623. The serine at codon 1541 is replaced by arginine, an amino acid with dissimilar properties. This amino acid position is conserved. In addition, this alteration is predicted to be tolerated by in silico analysis. Based on the available evidence, the clinical significance of this variant remains unclear.

NM_017617.5(NOTCH1):c.4623C>G (p.Ser1541Arg)

Gene: NOTCH1 (notch receptor 1; minus strand). Cytogenetic location: 9q34.3.
Variant type: single nucleotide variant.
Coding change: c.4623C>G on transcript NM_017617.5 (MANE Select); coding-DNA position 4623, C replaced by G.
Protein change: p.Ser1541Arg; replaces serine 1541 with arginine.
Molecular consequence: missense variant.
Genome position (GRCh38, 1-based): chr9:136,505,068, G>C on the plus strand (C>G on the coding strand, the complement: NOTCH1 is on the minus strand). VCF-style: chr9-136505068-G-C. GRCh37 (hg19) VCF-style: chr9-139399520-G-C.
Other names: short protein forms S1541R.
Identifiers: ClinVar variation 3406862 (VCV003406862.1).